The following is an entry in ClinVar:

NM_001303052.2(MYT1L):c.1073G>A (p.Arg358His)

Gene: MYT1L (myelin transcription factor 1 like; minus strand). Cytogenetic location: 2p25.3.
Variant type: single nucleotide variant.
Coding change: c.1073G>A on transcript NM_001303052.2 (MANE Select); coding-DNA position 1073, G replaced by A.
Protein change: p.Arg358His; replaces arginine 358 with histidine.
Molecular consequence: missense variant.
Genome position (GRCh38, 1-based): chr2:1,922,696, C>T on the plus strand (G>A on the coding strand, the complement: MYT1L is on the minus strand). VCF-style: chr2-1922696-C-T. GRCh37 (hg19) VCF-style: chr2-1926468-C-T.
Other names: c.1073G>A, p.Arg358His (NM_001329844.2, NM_001329845.1, NM_001329846.3 and 6 more transcripts); short protein forms R358H.
Identifiers: ClinVar variation 3026199 (VCV003026199.23), dbSNP rs202149605, ClinGen allele CA1514302.

ClinVar aggregate classification (germline): Likely benign. Review status: criteria provided, multiple submitters, no conflicts (2 of 4 stars). 2 submissions from 2 submitters: Likely benign (2). Last evaluated 2025-02-16.

Allele frequency attached by ClinVar (database versions not stated): TOPMed 0.00001; gnomAD exomes 0.00004; gnomAD 0.00007; ExAC 0.00008.
gnomAD v4.1: 63 of 1,613,698 alleles (0.0039%); highest among the groups gnomAD compares: Non-Finnish European, 0.0041%; no homozygotes.

Submissions (2):

Laboratory of Genetics, Children's Clinical University Hospital Latvia
Classification: Likely benign. Last evaluated: 2025-02-16. Review status: criteria provided, single submitter. Criteria: ACMG Guidelines, 2015. Collection method: clinical testing. Allele origin: germline. Affected: yes.

CeGaT Center for Human Genetics Tuebingen
Classification: Likely benign. Last evaluated: 2024-02-01. Review status: criteria provided, single submitter. Criteria: CeGaT Center For Human Genetics Tuebingen Variant Classification Criteria Version 2. Collection method: clinical testing. Allele origin: germline. Affected: yes. Observed: 1 variant allele.
Comment: MYT1L: BP4, BS1